The following is an entry in ClinVar:

ClinVar aggregate classification (germline): Uncertain significance (1 of 4 stars; one submission).

Conditions:
CHARGE syndrome (CHARGE). Also called: Hittner Hirsch Kreh syndrome; CHARGE ASSOCIATION--COLOBOMA, HEART ANOMALY, CHOANAL ATRESIA, RETARDATION, GENITAL AND EAR ANOMALIES; Coloboma, heart anomaly, choanal atresia, retardation, genital and ear anomalies; CHARGE association; Hall-Hittner syndrome. Identifiers: Orphanet 138, MedGen C0265354, MONDO:0008965.

Submission:

Labcorp Genetics (formerly Invitae), Labcorp
Classification: Uncertain significance for CHARGE syndrome. Last evaluated: 2023-12-23. Review status: criteria provided, single submitter. Criteria: Invitae Variant Classification Sherloc (09022015). Collection method: clinical testing. Allele origin: germline.
Comment: This sequence change replaces isoleucine, which is neutral and non-polar, with serine, which is neutral and polar, at codon 2162 of the CHD7 protein (p.Ile2162Ser). This variant is not present in population databases (gnomAD no frequency). This variant has not been reported in the literature in individuals affected with CHD7-related conditions. Advanced modeling of protein sequence and biophysical properties (such as structural, functional, and spatial information, amino acid conservation, physicochemical variation, residue mobility, and thermodynamic stability) performed at Invitae indicates that this missense variant is not expected to disrupt CHD7 protein function with a negative predictive value of 95%. In summary, the available evidence is currently insufficient to determine the role of this variant in disease. Therefore, it has been classified as a Variant of Uncertain Significance.

NM_017780.4(CHD7):c.6485T>G (p.Ile2162Ser)

Gene: CHD7 (chromodomain helicase DNA binding protein 7; plus strand). Cytogenetic location: 8q12.2.
Variant type: single nucleotide variant.
Coding change: c.6485T>G on transcript NM_017780.4 (MANE Select); coding-DNA position 6485, T replaced by G.
Protein change: p.Ile2162Ser; replaces isoleucine 2162 with serine.
Molecular consequence: missense variant. On other transcripts: intron variant (1).
Genome position (GRCh38, 1-based): chr8:60,853,210, T>G. VCF-style: chr8-60853210-T-G. GRCh37 (hg19) VCF-style: chr8-61765769-T-G.
Other names: c.1717-9019T>G (NM_001316690.1); short protein forms I2162S.
Identifiers: ClinVar variation 2894902 (VCV002894902.3), dbSNP rs1362379706, ClinGen allele CA371325420.